The following is an entry in ClinVar:

NM_000178.4(GSS):c.127G>T (p.Glu43Ter)

Gene: GSS (glutathione synthetase; minus strand). Cytogenetic location: 20q11.22.
Variant type: single nucleotide variant.
Coding change: c.127G>T on transcript NM_000178.4 (MANE Select); coding-DNA position 127, G replaced by T.
Protein change: p.Glu43Ter; replaces glutamic acid 43 with a stop codon.
Molecular consequence: nonsense.
Genome position (GRCh38, 1-based): chr20:34,951,726, C>A on the plus strand (G>T on the coding strand, the complement: GSS is on the minus strand). VCF-style: chr20-34951726-C-A. GRCh37 (hg19) VCF-style: chr20-33539529-C-A.
Other names: c.127G>T, p.Glu43Ter (NM_001322494.1, NM_001322495.1); short protein forms E43*.
Identifiers: ClinVar variation 2874456 (VCV002874456.6), dbSNP rs2519043780, ClinGen allele CA408706280.

ClinVar aggregate classification (germline): Pathogenic/Likely pathogenic. Review status: criteria provided, multiple submitters, no conflicts (2 of 4 stars). 3 submissions from 3 submitters: Pathogenic (1); Likely pathogenic (2). Last evaluated 2026-02-20.

Conditions:
Glutathione synthetase deficiency without 5-oxoprolinuria. Also called: ANEMIA, CONGENITAL, NONSPHEROCYTIC HEMOLYTIC, 6. Identifiers: Orphanet 289849, Orphanet 32, MedGen C1856399, MONDO:0009284, OMIM 231900.
Glutathione synthetase deficiency with 5-oxoprolinuria. Also called: 5-OXOPROLINURIA DUE TO GLUTATHIONE SYNTHETASE DEFICIENCY; Reduced glutathione synthetase level; PYROGLUTAMIC ACIDURIA; 5-Oxoprolinuria; Gluthathione synthetase deficiency. Identifiers: Orphanet 289846, MedGen C0398746, MONDO:0009947, OMIM 266130, HP:0003343.

Allele frequency attached by ClinVar (database versions not stated): gnomAD exomes 0.00001.
gnomAD v4.1: 3 of 1,605,142 alleles (0.00019%); highest among the groups gnomAD compares: Non-Finnish European, 0.00026%; no homozygotes.

Submissions (3):

Dasa
Classification: Likely pathogenic. Last evaluated: 2026-02-20. Review status: criteria provided, single submitter. Criteria: DASA Assertion Criteria. Collection method: clinical testing. Allele origin: germline.
Comment: NM_000178.4(GSS):c.127G>T (p.Glu43*) is a nonsense variant in GSS predicted to introduce a premature termination codon and is predicted to result in an absent or altered protein product. Loss of function is an established disease mechanism for GSS-associated disorders. Also, this variant is rare in population databases. Based on the currently available evidence, this variant is classified as likely pathogenic.

Fulgent Genetics
Classification: Likely pathogenic for Glutathione synthetase deficiency without 5-oxoprolinuria; Glutathione synthetase deficiency with 5-oxoprolinuria. Last evaluated: 2024-06-14. Review status: criteria provided, single submitter. Criteria: ACMG Guidelines, 2015. Collection method: clinical testing. Allele origin: germline.

Labcorp Genetics (formerly Invitae), Labcorp
Classification: Pathogenic for Glutathione synthetase deficiency with 5-oxoprolinuria. Last evaluated: 2023-12-09. Review status: criteria provided, single submitter. Criteria: Invitae Variant Classification Sherloc (09022015). Collection method: clinical testing. Allele origin: germline.
Comment: This sequence change creates a premature translational stop signal (p.Glu43*) in the GSS gene. It is expected to result in an absent or disrupted protein product. Loss-of-function variants in GSS are known to be pathogenic (PMID: 12638941, 15717202). This variant is not present in population databases (gnomAD no frequency). This variant has not been reported in the literature in individuals affected with GSS-related conditions. For these reasons, this variant has been classified as Pathogenic.

Literature cited by the submitters: PubMed 12638941 (cited by Labcorp Genetics (formerly Invitae), Labcorp); PubMed 15717202 (cited by Labcorp Genetics (formerly Invitae), Labcorp).